The following is an entry in ClinVar:

NM_000238.4(KCNH2):c.2230C>T (p.Arg744Ter)

Gene: KCNH2 (potassium voltage-gated channel subfamily H member 2; minus strand). Cytogenetic location: 7q36.1.
Variant type: single nucleotide variant.
Coding change: c.2230C>T on transcript NM_000238.4 (MANE Select); coding-DNA position 2230, C replaced by T.
Protein change: p.Arg744Ter; replaces arginine 744 with a stop codon.
Molecular consequence: nonsense.
Genome position (GRCh38, 1-based): chr7:150,950,336, G>A on the plus strand (C>T on the coding strand, the complement: KCNH2 is on the minus strand). VCF-style: chr7-150950336-G-A. GRCh37 (hg19) VCF-style: chr7-150647424-G-A.
Other names: p.R744*:CGA>TGA; c.1210C>T, p.Arg404Ter (NM_001204798.2, NM_172057.3); c.1942C>T, p.Arg648Ter (NM_001406753.1, NM_001406756.1); c.2053C>T, p.Arg685Ter (NM_001406755.1); c.1930C>T, p.Arg644Ter (NM_001406757.1); c.2230C>T, p.Arg744Ter (NM_172056.3); short protein forms R404*, R744*, R648*, R644*, R685*.
Identifiers: ClinVar variation 180383 (VCV000180383.26), dbSNP rs189014161, ClinGen allele CA006370.

ClinVar aggregate classification (germline): Pathogenic. Review status: criteria provided, multiple submitters, no conflicts (2 of 4 stars). 11 submissions from 11 submitters: Pathogenic (11). Last evaluated 2025-11-21.

Conditions:
Cardiovascular phenotype. Identifiers: MedGen CN230736.
KCNH2-related disorder. Also called: KCNH2-related condition; KCNH2-related disorders.
Familial long QT syndrome (RWS). Also called: Congenital long QT syndrome; VENTRICULAR FIBRILLATION WITH PROLONGED QT INTERVAL; Romano-Ward syndrome. Identifiers: Orphanet 768, MedGen C1141890, MONDO:0019171.
Long QT syndrome 2 (LQT2). Identifiers: Orphanet 101016, Orphanet 768, MedGen C3150943, MONDO:0013367, OMIM 613688.
Long QT syndrome (LQTS). Identifiers: MedGen C0023976, MeSH D008133, MONDO:0002442. Disease mechanism: loss of function. Inheritance: Various modes of inheritance.

gnomAD v4.1: 1 of 1,613,482 alleles (0.000062%); highest among the groups gnomAD compares: Non-Finnish European, 0.000085%; no homozygotes.

Submissions (11):

Labcorp Genetics (formerly Invitae), Labcorp
Classification: Pathogenic for Long QT syndrome. Last evaluated: 2025-11-21. Review status: criteria provided, single submitter. Criteria: Invitae Variant Classification Sherloc (09022015). Collection method: clinical testing. Allele origin: germline.
Comment: This sequence change creates a premature translational stop signal (p.Arg744*) in the KCNH2 gene. It is expected to result in an absent or disrupted protein product. Loss-of-function variants in KCNH2 are known to be pathogenic (PMID: 10973849, 19862833). This variant is not present in population databases (gnomAD no frequency). This premature translational stop signal has been observed in individual(s) with long QT syndrome (PMID: 11802537, 19841298, 26704558). In at least one individual the variant was observed to be de novo. It has also been observed to segregate with disease in related individuals. ClinVar contains an entry for this variant (Variation ID: 180383). For these reasons, this variant has been classified as Pathogenic.

Women's Health and Genetics/Laboratory Corporation of America, LabCorp
Classification: Pathogenic for Long QT syndrome. Last evaluated: 2024-09-09. Review status: criteria provided, single submitter. Criteria: LabCorp Variant Classification Summary - May 2015. Collection method: clinical testing. Allele origin: germline.
Comment: Variant summary: KCNH2 c.2230C>T (p.Arg744X) results in a premature termination codon, predicted to cause a truncation of the encoded protein or absence of the protein due to nonsense mediated decay, which are commonly known mechanisms for disease. The variant was absent in 252462 control chromosomes. c.2230C>T has been reported in the literature in multiple individuals affected with Long QT Syndrome (eg., Koh_2001, Moss_2002, Schwartz_2009, Kapplinger_2009, Losito_2009, Crotti_2012) . These data indicate that the variant is very likely to be associated with disease. To our knowledge, no experimental evidence demonstrating an impact on protein function has been reported. The following publications have been ascertained in the context of this evaluation (PMID: 19716085, 19841298, 11854117, 11802537, 22338672, 18799333). ClinVar contains an entry for this variant (Variation ID: 180383). Based on the evidence outlined above, the variant was classified as pathogenic.

3billion
Classification: Pathogenic for Long QT syndrome 2. Last evaluated: 2024-06-24. Review status: criteria provided, single submitter. Criteria: ACMG Guidelines, 2015. Collection method: clinical testing. Allele origin: germline. Affected: yes.
Comment: The variant is observed at an extremely low frequency in the gnomAD v4.0.0 dataset (total allele frequency: <0.001%). Predicted Consequence/Location: Stop-gained (nonsense): predicted to result in a loss or disruption of normal protein function through nonsense-mediated decay (NMD) or protein truncation. Multiple pathogenic variants are reported downstream of the variant. The variant has been reported at least twice as pathogenic with clinical assertions and evidence for the classification (ClinVar ID: VCV000180383 /PMID: 11802537). Therefore, this variant is classified as Pathogenic according to the recommendation of ACMG/AMP guideline.

GeneDx
Classification: Pathogenic. Last evaluated: 2024-05-29. Review status: criteria provided, single submitter. Criteria: GeneDx Variant Classification Process June 2021. Collection method: clinical testing. Allele origin: germline. Affected: yes.
Comment: Reported in patients with LQTS, prolonged QT intervals, and an individual with sudden unexpected death in epilepsy (PMID: 19841298, 22338672, 26704558); also identified in patients with LQTS referred for genetic testing at GeneDx; Segregates with disease in many affected individuals from several families in published literature (PMID: 22338672, 11802537); Not observed at significant frequency in large population cohorts (gnomAD); Nonsense variant predicted to result in protein truncation or nonsense mediated decay in a gene for which loss-of-function is a known mechanism of disease; This variant is associated with the following publications: (PMID: 19716085, 28363160, 11802537, 22338672, 11854117, 26704558, 28775708, 25525159, 31727422, 33304416, 33013630, 31018519, 34546463, 36861347, 19841298)

Blueprint Genetics
Classification: Pathogenic for KCNH2-related disorders. Last evaluated: 2024-02-16. Review status: criteria provided, single submitter. Criteria: ACMG Guidelines, 2015. Collection method: clinical testing. Allele origin: germline. Affected: yes. Observed: 4 variant alleles.

Dept of Medical Biology, Uskudar University
Classification: Pathogenic for Long QT syndrome. Last evaluated: 2024-01-08. Review status: criteria provided, single submitter. Criteria: Dept of Medical Biology Variant Classification. Collection method: research. Allele origin: maternal. Affected: yes. Observed: 3 variant alleles.
Comment: Criteria: PVS1_Strong, PP1_Strong, PM2

Institute of Medical Genetics and Applied Genomics, University Hospital Tübingen
Classification: Pathogenic for Long QT syndrome 2. Last evaluated: 2023-05-23. Review status: criteria provided, single submitter. Criteria: ACMG Guidelines, 2015. Collection method: clinical testing. Allele origin: germline. Inheritance: Autosomal dominant inheritance. Affected: yes.

MGZ Medical Genetics Center
Classification: Pathogenic for Long QT syndrome 2. Last evaluated: 2021-08-06. Review status: criteria provided, single submitter. Criteria: ACMG Guidelines, 2015. Collection method: clinical testing. Allele origin: germline. Affected: yes. Observed: 1 variant allele.
Comment: ACMG criteria applied: PVS1, PS2, PM2_SUP, PP1

MVZ Martinsried, Medicover Genetics
Classification: Pathogenic for Long QT syndrome 2. Last evaluated: 2021-06-25. Review status: criteria provided, single submitter. Criteria: ACGS Guidelines, 2020. Collection method: clinical testing. Allele origin: unknown. Affected: yes.

Ambry Genetics
Classification: Pathogenic for Cardiovascular phenotype. Last evaluated: 2020-11-05. Review status: criteria provided, single submitter. Criteria: Ambry Variant Classification Scheme 2023. Collection method: clinical testing. Allele origin: germline.
Comment: The p.R744* pathogenic mutation (also known as c.2230C>T), located in coding exon 9 of the KCNH2 gene, results from a C to T substitution at nucleotide position 2230. This changes the amino acid from an arginine to a stop codon within coding exon 9. This alteration has been detected in individuals with long QT syndrome (LQTS) as well as in LQTS genetic testing cohorts, and has shown segregation with disease in two families (Ko YL et al. J. Formos. Med. Assoc., 2001 Nov;100:767-71; Kapplinger JD et al. Heart Rhythm, 2009 Sep;6:1297-303; Schwartz PJ et al. Circulation, 2009 Nov;120:1761-7). In addition to the clinical data presented in the literature, this alteration is expected to result in loss of function by premature protein truncation or nonsense-mediated mRNA decay. As such, this alteration is interpreted as a disease-causing mutation.

Laboratory for Molecular Medicine, Mass General Brigham Personalized Medicine
Classification: Pathogenic for Familial long QT syndrome. Last evaluated: 2018-07-25. Review status: criteria provided, single submitter. Criteria: ACMG Guidelines, 2015. Collection method: clinical testing. Allele origin: germline. Inheritance: Autosomal dominant inheritance.
Comment: This variant segregated with LQTS in 13 relatives from multiple families. This variant has also been reported in ClinVar (Variation ID 180383) and was absent from large population studies. This nonsense variant leads to a premature termination codon at position 744, which is predicted to lead to a truncated or absent protein. Heterozygous loss of function of the KCNH2 gene is an established disease mechanism in LQTS. In summary, this variant meets criteria to be classified as pathogenic for LQTS in an autosomal dominant manner based upon segregation studies, absence from controls, and predicted impact on protein. ACMG/AMP Criteria applied: PVS1, PP1_Strong, PM2, PS4_Moderate (Richards 2015).

Literature cited by the submitters: PubMed 10973849 (cited by Labcorp Genetics (formerly Invitae), Labcorp); PubMed 19862833 (cited by Labcorp Genetics (formerly Invitae), Labcorp); PubMed 11802537 (cited by 4 submitters); PubMed 19841298 (cited by 3 submitters); PubMed 26704558 (cited by Labcorp Genetics (formerly Invitae), Labcorp); PubMed 19716085 (cited by Women's Health and Genetics/Laboratory Corporation of America, LabCorp and Ambry Genetics); PubMed 11854117 (cited by Women's Health and Genetics/Laboratory Corporation of America, LabCorp); PubMed 22338672 (cited by Women's Health and Genetics/Laboratory Corporation of America, LabCorp); PubMed 18799333 (cited by Women's Health and Genetics/Laboratory Corporation of America, LabCorp).